The following is an entry in ClinVar:

ClinVar aggregate classification (germline): Benign (1 of 4 stars; one submission).

Allele frequency attached by ClinVar (database versions not stated): gnomAD 0.00036; TOPMed 0.00041; 1000 Genomes Project 0.00080; 1000 Genomes Project 30x 0.00125.
gnomAD v4.1: 73 of 398,506 alleles (0.018%); highest among the groups gnomAD compares: African/African-American, 0.13%; no homozygotes.

Submission:

CeGaT Center for Human Genetics Tuebingen
Classification: Benign. Last evaluated: 2024-05-01. Review status: criteria provided, single submitter. Criteria: CeGaT Center For Human Genetics Tuebingen Variant Classification Criteria Version 2. Collection method: clinical testing. Allele origin: germline. Affected: yes. Observed: 2 variant alleles.
Comment: KCNQ1OT1: BS1, BS2

NM_000218.3(KCNQ1):c.1393+29738G>A

Genes: KCNQ1 (potassium voltage-gated channel subfamily Q member 1; plus strand), KCNQ1OT1 (KCNQ1 opposite strand/antisense transcript 1; minus strand). Cytogenetic location: 11p15.5.
Variant type: single nucleotide variant.
Coding change: c.1393+29738G>A on transcript NM_000218.3 (MANE Select); 29738 bases into the intron after coding-DNA position 1393, G replaced by A.
Molecular consequence: intron variant.
Genome position (GRCh38, 1-based): chr11:2,618,592, G>A. VCF-style: chr11-2618592-G-A. GRCh37 (hg19) VCF-style: chr11-2639822-G-A.
Other names: c.1123+29738G>A (NM_001406837.1); c.1297+29738G>A (NM_001406836.1); c.853+29738G>A (NM_001406838.1); c.1012+29738G>A (NM_181798.2).
Identifiers: ClinVar variation 1879161 (VCV001879161.29), dbSNP rs115387729, ClinGen allele CA216361194.